The following is an entry in ClinVar:

NM_002016.2(FLG):c.7830A>G (p.Gln2610=)

Genes: CCDST (cervical cancer associated DHX9 suppressive transcript; plus strand), FLG (filaggrin; minus strand). Cytogenetic location: 1q21.3.
Variant type: single nucleotide variant.
Coding change: c.7830A>G on transcript NM_002016.2 (MANE Select); coding-DNA position 7830, A replaced by G.
Protein change: p.Gln2610=; no amino-acid change (glutamine 2610 retained).
Molecular consequence: synonymous variant.
Genome position (GRCh38, 1-based): chr1:152,307,056, T>C on the plus strand (A>G on the coding strand, the complement: FLG is on the minus strand). VCF-style: chr1-152307056-T-C. GRCh37 (hg19) VCF-style: chr1-152279532-T-C.
Identifiers: ClinVar variation 4281570 (VCV004281570.7).

ClinVar aggregate classification (germline): Likely benign (1 of 4 stars; one submission).

Submission:

CeGaT Center for Human Genetics Tuebingen
Classification: Likely benign. Last evaluated: 2025-09-01. Review status: criteria provided, single submitter. Criteria: CeGaT Center For Human Genetics Tuebingen Variant Classification Criteria Version 2. Collection method: clinical testing. Allele origin: germline. Affected: yes. Observed: 1 variant allele.
Comment: FLG: PM2:Supporting, BP4, BP7